The following is an entry in ClinVar:

NM_001003722.2(GLE1):c.1747C>T (p.Leu583Phe)

Genes: GLE1 (GLE1 RNA export mediator; plus strand), LOC101929270 (uncharacterized LOC101929270; minus strand). Cytogenetic location: 9q34.11.
Variant type: single nucleotide variant.
Coding change: c.1747C>T on transcript NM_001003722.2 (MANE Select); coding-DNA position 1747, C replaced by T.
Protein change: p.Leu583Phe; replaces leucine 583 with phenylalanine.
Molecular consequence: missense variant.
Genome position (GRCh38, 1-based): chr9:128,536,455, C>T. VCF-style: chr9-128536455-C-T. GRCh37 (hg19) VCF-style: chr9-131298734-C-T.
Other names: c.1774C>T, p.Leu592Phe (NM_001411013.1); c.1747C>T, p.Leu583Phe (NM_001499.2); short protein forms L592F, L583F.
Identifiers: ClinVar variation 5009686 (VCV005009686.1).
Genomic context (GRCh38, chr9:128,536,455, plus strand): 5'-CAAGACAACTTTCTAAAACGCATGTCAGGGATGATCCGTCTCTACGCTGCTATCATCCAG[C>T]TCCGGTGGCCATATGGAAACCGACAGGAGGTAGGTAAAAGAGGCTTACTGTCAATAATGA-3'
Protein context (NP_001003722.1, residues 573-593): MIRLYAAIIQ[Leu583Phe]RWPYGNRQEI

ClinVar aggregate classification (germline): Uncertain significance (1 of 4 stars; one submission).

Submission:

GeneDx
Classification: Uncertain significance. Last evaluated: 2026-02-22. Review status: criteria provided, single submitter. Criteria: GeneDx Variant Classification Process June 2021. Collection method: clinical testing. Allele origin: germline.
Comment: Not observed at significant frequency in large population cohorts (gnomAD); In silico analysis suggests that this missense variant does not alter protein structure/function; Has not been previously published as pathogenic or benign to our knowledge